The following is an entry in ClinVar:

NM_000059.4(BRCA2):c.6086A>G (p.Glu2029Gly)

Gene: BRCA2 (BRCA2 DNA repair associated; plus strand). Cytogenetic location: 13q13.1.
Variant type: single nucleotide variant.
Coding change: c.6086A>G on transcript NM_000059.4 (MANE Select); coding-DNA position 6086, A replaced by G.
Protein change: p.Glu2029Gly; replaces glutamic acid 2029 with glycine.
Molecular consequence: missense variant.
Genome position (GRCh38, 1-based): chr13:32,340,441, A>G. VCF-style: chr13-32340441-A-G. GRCh37 (hg19) VCF-style: chr13-32914578-A-G.
Other names: short protein forms E2029G.
Identifiers: ClinVar variation 52009 (VCV000052009.9), dbSNP rs80358847, ClinGen allele CA023636.

ClinVar aggregate classification (germline): Conflicting classifications of pathogenicity. Review status: criteria provided, conflicting classifications (1 of 4 stars). 4 submissions from 4 submitters: Uncertain significance (2); Likely benign (1). 1 of the submissions does not count toward it. Last evaluated 2024-11-28.

Conditions:
Hereditary cancer-predisposing syndrome. Also called: Neoplastic Syndromes, Hereditary; Tumor predisposition; Hereditary neoplastic syndrome; Hereditary Cancer Syndrome. Identifiers: Orphanet 140162, MedGen C0027672, MeSH D009386, MONDO:0015356.
Hereditary breast ovarian cancer syndrome. Also called: Hereditary breast and ovarian cancer syndrome; Hereditary breast and ovarian cancer; Hereditary breast and ovarian cancer syndrome (HBOC); Breast and ovarian cancer; Hereditary breast and/or ovarian cancer syndrome; BRCA1- and BRCA2-Associated Hereditary Breast and Ovarian Cancer. Identifiers: Orphanet 145, MedGen C0677776, MeSH D061325, MONDO:0003582. Disease mechanism: loss of function.
Breast-ovarian cancer, familial, susceptibility to, 2 (BROVCA2). Also called: BRCA2 Hereditary Breast and Ovarian Cancer. Identifiers: Orphanet 145, MedGen C2675520, MONDO:0012933, OMIM 612555. Disease mechanism: loss of function.

Allele frequency attached by ClinVar (database versions not stated): gnomAD exomes below 0.00001; ExAC 0.00002.
gnomAD v4.1: 2 of 1,613,914 alleles (0.00012%); highest among the groups gnomAD compares: East Asian, 0.0045%; no homozygotes.

Submissions (4):

Labcorp Genetics (formerly Invitae), Labcorp
Classification: Uncertain significance for Hereditary breast ovarian cancer syndrome. Last evaluated: 2024-11-28. Review status: criteria provided, single submitter. Criteria: Invitae Variant Classification Sherloc (09022015). Collection method: clinical testing. Allele origin: germline.
Comment: This sequence change replaces glutamic acid, which is acidic and polar, with glycine, which is neutral and non-polar, at codon 2029 of the BRCA2 protein (p.Glu2029Gly). This variant is present in population databases (rs80358847, gnomAD 0.01%). This missense change has been observed in individual(s) with breast cancer or ovarian cancer (PMID: 15117986, 31907386). ClinVar contains an entry for this variant (Variation ID: 52009). Invitae Evidence Modeling of protein sequence and biophysical properties (such as structural, functional, and spatial information, amino acid conservation, physicochemical variation, residue mobility, and thermodynamic stability) indicates that this missense variant is not expected to disrupt BRCA2 protein function with a negative predictive value of 95%. In summary, the available evidence is currently insufficient to determine the role of this variant in disease. Therefore, it has been classified as a Variant of Uncertain Significance.

Ambry Genetics
Classification: Uncertain significance for Hereditary cancer-predisposing syndrome. Last evaluated: 2023-06-30. Review status: criteria provided, single submitter. Criteria: Ambry Variant Classification Scheme 2023. Collection method: clinical testing. Allele origin: germline.
Comment: The p.E2029G variant (also known as c.6086A>G), located in coding exon 10 of the BRCA2 gene, results from an A to G substitution at nucleotide position 6086. The glutamic acid at codon 2029 is replaced by glycine, an amino acid with similar properties. This variant has been reported in Korean patients diagnosed with early onset breast cancer (Choi DH et al. J Clin Oncol, 2004 May;22:1638-45; Haffty BG et al. Ann Oncol, 2009 Oct;20:1653-9). This amino acid position is not well conserved in available vertebrate species. In addition, this alteration is predicted to be tolerated by in silico analysis. Since supporting evidence is limited at this time, the clinical significance of this alteration remains unclear.

University of Washington Department of Laboratory Medicine, University of Washington
Classification: Likely benign for Hereditary cancer-predisposing syndrome. Last evaluated: 2023-03-23. Review status: criteria provided, single submitter. Criteria: Dines et al. (Genet Med. 2020). Collection method: curation. Allele origin: germline.
Comment: Missense variant in a coldspot region where missense variants are very unlikely to be pathogenic (PMID:31911673).

BRCA2 exon 11 coldspot. Reclassification based on statistical prior probability.

Breast Cancer Information Core (BIC) (BRCA2)
Classification: Uncertain significance for Breast-ovarian cancer, familial 2. Last evaluated: 2002-06-20. Review status: no assertion criteria provided. Collection method: clinical testing. Allele origin: germline. Affected: yes. Observed: 1 variant allele. Not counted in ClinVar's aggregate classification.

Literature cited by the submitters: PubMed 15117986 (cited by Labcorp Genetics (formerly Invitae), Labcorp and Ambry Genetics); PubMed 31907386 (cited by Labcorp Genetics (formerly Invitae), Labcorp); PubMed 19491284 (cited by Ambry Genetics).